The following is an entry in ClinVar:

NM_001113491.2(SEPTIN9):c.222G>A (p.Ser74=)

Gene: SEPTIN9 (septin 9; plus strand). Cytogenetic location: 17q25.3.
Variant type: single nucleotide variant.
Coding change: c.222G>A on transcript NM_001113491.2 (MANE Select); coding-DNA position 222, G replaced by A.
Protein change: p.Ser74=; no amino-acid change (serine 74 retained).
Molecular consequence: synonymous variant. On other transcripts: 5 prime UTR variant (2).
Genome position (GRCh38, 1-based): chr17:77,402,204, G>A. VCF-style: chr17-77402204-G-A. GRCh37 (hg19) VCF-style: chr17-75398286-G-A.
Other names: c.-271G>A (NM_001113492.2, NM_001113494.1); c.201G>A, p.Ser67= (NM_001113493.2); c.165G>A, p.Ser55= (NM_001293695.2); c.168G>A, p.Ser56= (NM_006640.5).
Identifiers: ClinVar variation 1682582 (VCV001682582.9), dbSNP rs763246934, ClinGen allele CA8793143.

ClinVar aggregate classification (germline): Benign/Likely benign. Review status: criteria provided, multiple submitters, no conflicts (2 of 4 stars). 2 submissions from 2 submitters: Benign (1); Likely benign (1). Last evaluated 2025-07-07.

gnomAD v4.1: 19 of 1,613,384 alleles (0.0012%); highest among the groups gnomAD compares: Middle Eastern, 0.033%; no homozygotes.

Submissions (2):

Women's Health and Genetics/Laboratory Corporation of America, LabCorp
Classification: Benign. Last evaluated: 2025-07-07. Review status: criteria provided, single submitter. Criteria: LabCorp Variant Classification Summary - May 2015. Collection method: clinical testing. Allele origin: germline.
Comment: Variant summary: SEPTIN9 c.168G>A results in a synonymous change. Consensus agreement among computation tools predict no significant impact on normal splicing. However, these predictions have yet to be confirmed by functional studies. The variant allele was found at a frequency of 3.9e-05 in 279458 control chromosomes. The observed variant frequency is approximately 40 fold of the estimated maximal expected allele frequency for a pathogenic variant in SEPTIN9 causing Amyotrophic neuralgia phenotype (1e-06). To our knowledge, no occurrence of c.168G>A in individuals affected with Amyotrophic neuralgia and no experimental evidence demonstrating its impact on protein function have been reported. ClinVar contains an entry for this variant (Variation ID: 1682582). Based on the evidence outlined above, the variant was classified as benign.

Labcorp Genetics (formerly Invitae), Labcorp
Classification: Likely benign. Last evaluated: 2023-09-20. Review status: criteria provided, single submitter. Criteria: Invitae Variant Classification Sherloc (09022015). Collection method: clinical testing. Allele origin: germline.